The following is an entry in ClinVar:

NM_001379500.1(COL18A1):c.2111del (p.Gly704fs)

Gene: COL18A1 (collagen type XVIII alpha 1 chain; plus strand). Cytogenetic location: 21q22.3.
Variant type: Deletion.
Coding change: c.2111del on transcript NM_001379500.1 (MANE Select); coding-DNA position 2111, one base deleted (G; older notation c.2111delG).
Protein change: p.Gly704fs; shifts the reading frame from glycine 704.
Molecular consequence: frameshift variant.
Genome position (GRCh38, 1-based): chr21:45,491,268, G deleted; the last of 2 consecutive G bases (chr21:45,491,267-45,491,268); deleting either gives the same sequence. VCF-style (leftmost placement, unchanged base first): chr21-45491266-TG-T. GRCh37 (hg19) VCF-style: chr21-46911180-TG-T.
Other names: c.2651del, p.Gly884fs (NM_030582.4); c.3356del, p.Gly1119fs (NM_130444.3); short protein forms G1119fs, G884fs, G704fs.
Identifiers: ClinVar variation 1429000 (VCV001429000.6), dbSNP rs1834684241, ClinGen allele CA2392181501.

ClinVar aggregate classification (germline): Pathogenic (1 of 4 stars; one submission).

Submission:

Labcorp Genetics (formerly Invitae), Labcorp
Classification: Pathogenic. Last evaluated: 2023-09-19. Review status: criteria provided, single submitter. Criteria: Invitae Variant Classification Sherloc (09022015). Collection method: clinical testing. Allele origin: germline.
Comment: ClinVar contains an entry for this variant (Variation ID: 1429000). For these reasons, this variant has been classified as Pathogenic. This variant has not been reported in the literature in individuals affected with COL18A1-related conditions. This variant is not present in population databases (gnomAD no frequency). This sequence change creates a premature translational stop signal (p.Gly704Alafs*20) in the COL18A1 gene. It is expected to result in an absent or disrupted protein product. Loss-of-function variants in COL18A1 are known to be pathogenic (PMID: 12415512, 25456301).

Literature cited by the submitters: PubMed 12415512; PubMed 25456301.